The following is an entry in ClinVar:

ClinVar aggregate classification (germline): Benign/Likely benign. Review status: criteria provided, multiple submitters, no conflicts (2 of 4 stars). 3 submissions from 3 submitters: Benign (1); Likely benign (2). Last evaluated 2026-01-18.

Conditions:
Primary ciliary dyskinesia. Also called: Ciliary dyskinesia. Identifiers: Orphanet 244, MedGen C0008780, MONDO:0016575, HP:0012265.

Allele frequency attached by ClinVar (database versions not stated): gnomAD exomes 0.00007; TOPMed 0.00010; gnomAD 0.00011; ExAC 0.00020; 1000 Genomes Project 30x 0.00062; 1000 Genomes Project 0.00080.
gnomAD v4.1: 114 of 1,611,900 alleles (0.0071%); highest among the groups gnomAD compares: East Asian, 0.15%; 1 homozygote.

Submissions (3):

Labcorp Genetics (formerly Invitae), Labcorp
Classification: Benign for Primary ciliary dyskinesia. Last evaluated: 2026-01-18. Review status: criteria provided, single submitter. Criteria: Invitae Variant Classification Sherloc (09022015). Collection method: clinical testing. Allele origin: germline.

CeGaT Center for Human Genetics Tuebingen
Classification: Likely benign. Last evaluated: 2025-09-01. Review status: criteria provided, single submitter. Criteria: CeGaT Center For Human Genetics Tuebingen Variant Classification Criteria Version 2. Collection method: clinical testing. Allele origin: germline. Affected: yes. Observed: 2 variant alleles.
Comment: DNAH11: BP4

Blueprint Genetics
Classification: Likely benign. Last evaluated: 2024-05-10. Review status: criteria provided, single submitter. Criteria: ACMG Guidelines, 2015. Collection method: clinical testing. Allele origin: germline.

NM_001277115.2(DNAH11):c.12901A>G (p.Ile4301Val)

Gene: DNAH11 (dynein axonemal heavy chain 11; plus strand). Cytogenetic location: 7p15.3.
Variant type: single nucleotide variant.
Coding change: c.12901A>G on transcript NM_001277115.2 (MANE Select); coding-DNA position 12901, A replaced by G.
Protein change: p.Ile4301Val; replaces isoleucine 4301 with valine.
Molecular consequence: missense variant.
Genome position (GRCh38, 1-based): chr7:21,894,773, A>G. VCF-style: chr7-21894773-A-G. GRCh37 (hg19) VCF-style: chr7-21934391-A-G.
Other names: c.12922A>G, p.Ile4308Val (NM_003777.3); short protein forms I4301V, I4308V.
Identifiers: ClinVar variation 2065845 (VCV002065845.29), dbSNP rs147608492, ClinGen allele CA4183211.